The following is an entry in ClinVar:

NM_032242.4(PLXNA1):c.2604+4G>T

Gene: PLXNA1 (plexin A1; plus strand). Cytogenetic location: 3q21.3.
Variant type: single nucleotide variant.
Coding change: c.2604+4G>T on transcript NM_032242.4 (MANE Select); 4 bases into the intron after coding-DNA position 2604, G replaced by T.
Molecular consequence: intron variant.
Genome position (GRCh38, 1-based): chr3:127,014,379, G>T. VCF-style: chr3-127014379-G-T. GRCh37 (hg19) VCF-style: chr3-126733222-G-T.
Identifiers: ClinVar variation 3358315 (VCV003358315.4).

ClinVar aggregate classification (germline): Conflicting classifications of pathogenicity. Review status: criteria provided, conflicting classifications (1 of 4 stars). 3 submissions from 3 submitters: Uncertain significance (1); Likely benign (1). 1 of the submissions does not count toward it. Last evaluated 2025-04-24.

Conditions:
PLXNA1-related disorder. Also called: PLXNA1-related condition.

Submissions (3):

Dasa
Classification: Uncertain significance. Last evaluated: 2025-04-24. Review status: criteria provided, single submitter. Criteria: DASA Assertion Criteria. Collection method: clinical testing. Allele origin: germline.
Comment: NM_032242.4(PLXNA1):c.2604+4G>T is a splice-region variant. This variant has been observed in affected individuals with PLXNA1-related disorders. Also, this variant is rare in population databases. Computational prediction algorithms are consistent with a benign effect. The currently available literature and clinical evidence are not sufficient to establish a definitive association between this variant and the reported condition. Therefore, this variant is classified as a variant of uncertain significance.

Blueprint Genetics
Classification: Likely benign. Last evaluated: 2022-08-16. Review status: criteria provided, single submitter. Criteria: ACMG Guidelines, 2015. Collection method: clinical testing. Allele origin: germline.

PreventionGenetics, part of Exact Sciences
Classification: Likely benign for PLXNA1-related condition. Last evaluated: 2023-09-13. Review status: no assertion criteria provided. Collection method: clinical testing. Allele origin: germline. Not counted in ClinVar's aggregate classification.
Comment: This variant is classified as likely benign based on ACMG/AMP sequence variant interpretation guidelines (Richards et al. 2015 PMID: 25741868, with internal and published modifications).